The following is an entry in ClinVar:

NM_206933.4(USH2A):c.10951T>C (p.Tyr3651His)

Gene: USH2A (usherin; minus strand). Cytogenetic location: 1q41.
Variant type: single nucleotide variant.
Coding change: c.10951T>C on transcript NM_206933.4 (MANE Select); coding-DNA position 10951, T replaced by C.
Protein change: p.Tyr3651His; replaces tyrosine 3651 with histidine.
Molecular consequence: missense variant.
Genome position (GRCh38, 1-based): chr1:215,766,777, A>G on the plus strand (T>C on the coding strand, the complement: USH2A is on the minus strand). VCF-style: chr1-215766777-A-G. GRCh37 (hg19) VCF-style: chr1-215940119-A-G.
Other names: short protein forms Y3651H.
Identifiers: ClinVar variation 1432591 (VCV001432591.5), dbSNP rs2102748198, ClinGen allele CA344827423.

ClinVar aggregate classification (germline): Uncertain significance (1 of 4 stars; one submission).

Allele frequency attached by ClinVar (database versions not stated): gnomAD exomes 0.00001.
gnomAD v4.1: 4 of 1,613,564 alleles (0.00025%); highest among the groups gnomAD compares: Non-Finnish European, 0.00034%; no homozygotes.

Submission:

Labcorp Genetics (formerly Invitae), Labcorp
Classification: Uncertain significance. Last evaluated: 2021-09-02. Review status: criteria provided, single submitter. Criteria: Invitae Variant Classification Sherloc (09022015). Collection method: clinical testing. Allele origin: germline.
Comment: This sequence change replaces tyrosine with histidine at codon 3651 of the USH2A protein (p.Tyr3651His). The tyrosine residue is highly conserved and there is a moderate physicochemical difference between tyrosine and histidine. This variant is not present in population databases (ExAC no frequency). This variant has not been reported in the literature in individuals affected with USH2A-related conditions. Algorithms developed to predict the effect of missense changes on protein structure and function output the following: SIFT: "Tolerated"; PolyPhen-2: "Benign"; Align-GVGD: "Class C0". The histidine amino acid residue is found in multiple mammalian species, which suggests that this missense change does not adversely affect protein function. In summary, the available evidence is currently insufficient to determine the role of this variant in disease. Therefore, it has been classified as a Variant of Uncertain Significance.